The following is an entry in ClinVar:

NM_016333.4(SRRM2):c.7644GTC[5] (p.Ser2556_Gly2557insSer)

Gene: SRRM2 (serine/arginine repetitive matrix 2; plus strand). Cytogenetic location: 16p13.3.
Variant type: Microsatellite.
Coding change: c.7644GTC[5] on transcript NM_016333.4 (MANE Select); five copies in a row of the 3-base unit GTC starting at c.7644; the reference has four copies in a row; one copy, 3 bases duplicated.
Protein change: p.Ser2556_Gly2557insSer.
Molecular consequence: inframe insertion.
Genome position (GRCh38, 1-based): chr16:2,768,181-2,768,183, GTC duplicated; duplicating any 3 consecutive bases within chr16:2,768,170-2,768,183 gives the same sequence; the position shown is the placement nearest the transcript's 3' end. VCF-style (leftmost placement, unchanged base first): chr16-2768169-A-ATCG. GRCh37 (hg19) VCF-style: chr16-2818170-A-ATCG.
Identifiers: ClinVar variation 5037466 (VCV005037466.1).

ClinVar aggregate classification (germline): Uncertain significance (1 of 4 stars; one submission).

Submission:

GeneDx
Classification: Uncertain significance. Last evaluated: 2026-04-20. Review status: criteria provided, single submitter. Criteria: GeneDx Variant Classification Process June 2021. Collection method: clinical testing. Allele origin: germline.
Comment: In-frame duplication of 1 amino acid(s) in a repetitive region with no known function; Has not been previously published as pathogenic or benign to our knowledge